The following is an entry in ClinVar:

ClinVar aggregate classification (germline): Uncertain significance (1 of 4 stars; one submission).

Submission:

Laboratorio de Genetica e Diagnostico Molecular, Hospital Israelita Albert Einstein
Classification: Uncertain significance. Last evaluated: 2021-05-20. Review status: criteria provided, single submitter. Criteria: ACMG Guidelines, 2015. Collection method: clinical testing. Allele origin: germline. Affected: yes.
Comment: ACMG classification criteria: PM2

NM_031885.5(BBS2):c.287C>A (p.Thr96Lys)

Gene: BBS2 (Bardet-Biedl syndrome 2; minus strand). Cytogenetic location: 16q13.
Variant type: single nucleotide variant.
Coding change: c.287C>A on transcript NM_031885.5 (MANE Select); coding-DNA position 287, C replaced by A.
Protein change: p.Thr96Lys; replaces threonine 96 with lysine.
Molecular consequence: missense variant. On other transcripts: non-coding transcript variant (5).
Genome position (GRCh38, 1-based): chr16:56,514,511, G>T on the plus strand (C>A on the coding strand, the complement: BBS2 is on the minus strand). VCF-style: chr16-56514511-G-T. GRCh37 (hg19) VCF-style: chr16-56548423-G-T.
Other names: c.287C>A, p.Thr96Lys (NM_001377456.1); short protein forms T96K.
Identifiers: ClinVar variation 1690638 (VCV001690638.2), dbSNP rs2144192969, ClinGen allele CA395985610.
Genomic context (GRCh38, chr16:56,514,511, plus strand): 5'-GCCTCTCTGTAGAACAAATCCGAATTATTGTAGACATCATAAGCCAAAAGATTAGTCTGT[G>T]TCCCCACTAAAAGGGCATCATAGCCAAGCTCAGGGTTCAATACGCCTGCAGTCAGACAGC-3'
Protein context (NP_114091.4, residues 86-106): ELGYDALLVG[Thr96Lys]QTNLLAYDVY